The following is an entry in ClinVar:

ClinVar aggregate classification (germline): Uncertain significance (1 of 4 stars; one submission).

Conditions:
Cardiovascular phenotype. Identifiers: MedGen CN230736.

Submission:

Ambry Genetics
Classification: Uncertain significance for Cardiovascular phenotype. Last evaluated: 2024-12-01. Review status: criteria provided, single submitter. Criteria: Ambry Variant Classification Scheme 2023. Collection method: clinical testing. Allele origin: germline.
Comment: The p.Y114H variant (also known as c.340T>C), located in coding exon 2 of the CBL gene, results from a T to C substitution at nucleotide position 340. The tyrosine at codon 114 is replaced by histidine, an amino acid with similar properties. This amino acid position is conserved. In addition, this alteration is predicted to be deleterious by in silico analysis. Based on the available evidence, the clinical significance of this variant remains unclear.

NM_005188.4(CBL):c.340T>C (p.Tyr114His)

Gene: CBL (Cbl proto-oncogene; plus strand). Cytogenetic location: 11q23.3.
Variant type: single nucleotide variant.
Coding change: c.340T>C on transcript NM_005188.4 (MANE Select); coding-DNA position 340, T replaced by C.
Protein change: p.Tyr114His; replaces tyrosine 114 with histidine.
Molecular consequence: missense variant.
Genome position (GRCh38, 1-based): chr11:119,232,592, T>C. VCF-style: chr11-119232592-T-C. GRCh37 (hg19) VCF-style: chr11-119103302-T-C.
Other names: short protein forms Y114H.
Identifiers: ClinVar variation 3485622 (VCV003485622.1).